The following is an entry in ClinVar:

ClinVar aggregate classification (germline): Pathogenic. Review status: reviewed by expert panel (3 of 4 stars). 4 submissions from 4 submitters: Pathogenic (1). 3 of the submissions do not count toward it. Last evaluated 2016-10-18.

Conditions:
Hereditary breast ovarian cancer syndrome. Also called: Hereditary breast and ovarian cancer syndrome; Hereditary breast and ovarian cancer; Hereditary breast and ovarian cancer syndrome (HBOC); Breast and ovarian cancer; Hereditary breast and/or ovarian cancer syndrome; BRCA1- and BRCA2-Associated Hereditary Breast and Ovarian Cancer. Identifiers: Orphanet 145, MedGen C0677776, MeSH D061325, MONDO:0003582. Disease mechanism: loss of function.
Breast-ovarian cancer, familial, susceptibility to, 2 (BROVCA2). Also called: BRCA2 Hereditary Breast and Ovarian Cancer. Identifiers: Orphanet 145, MedGen C2675520, MONDO:0012933, OMIM 612555. Disease mechanism: loss of function.

Allele frequency attached by ClinVar (database versions not stated): gnomAD exomes below 0.00001.
gnomAD v4.1: 1 of 1,613,984 alleles (0.000062%); highest among the groups gnomAD compares: Non-Finnish European, 0.000085%; no homozygotes.

Submissions (4):

Evidence-based Network for the Interpretation of Germline Mutant Alleles (ENIGMA)
Classification: Pathogenic for Breast-ovarian cancer, familial, susceptibility to, 2. Last evaluated: 2016-10-18. Review status: reviewed by expert panel. Criteria: ENIGMA BRCA1/2 Classification Criteria (2015). Collection method: curation. Allele origin: germline.
Comment: Variant allele predicted to encode a truncated non-functional protein.

Labcorp Genetics (formerly Invitae), Labcorp
Classification: Pathogenic for Hereditary breast ovarian cancer syndrome. Last evaluated: 2024-07-22. Review status: criteria provided, single submitter. Criteria: Invitae Variant Classification Sherloc (09022015). Collection method: clinical testing. Allele origin: germline. Not counted in ClinVar's aggregate classification.
Comment: This sequence change creates a premature translational stop signal (p.Trp3191*) in the BRCA2 gene. It is expected to result in an absent or disrupted protein product. Loss-of-function variants in BRCA2 are known to be pathogenic (PMID: 20104584). This variant is not present in population databases (gnomAD no frequency). This premature translational stop signal has been observed in individual(s) with personal or family history of hereditary breast and/or ovarian cancer (PMID: 11938448, 29446198). ClinVar contains an entry for this variant (Variation ID: 52871). Studies have shown that this premature translational stop signal is associated with inconclusive levels of altered splicing (PMID: 32398771). For these reasons, this variant has been classified as Pathogenic.

Consortium of Investigators of Modifiers of BRCA1/2 (CIMBA), c/o University of Cambridge
Classification: Pathogenic for Breast-ovarian cancer, familial, susceptibility to, 2. Last evaluated: 2015-10-02. Review status: criteria provided, single submitter. Criteria: CIMBA Mutation Classification guidelines May 2016. Collection method: clinical testing. Allele origin: germline. Not counted in ClinVar's aggregate classification.

Research Molecular Genetics Laboratory, Women's College Hospital, University of Toronto
Classification: Pathogenic for Hereditary breast ovarian cancer syndrome. Last evaluated: 2014-01-31. Review status: no assertion criteria provided. Collection method: research. Allele origin: germline. Affected: yes. Study: The Canadian Open Genetics Repository (COGR). Not counted in ClinVar's aggregate classification.

Literature cited by the submitters: PubMed 20104584 (cited by Labcorp Genetics (formerly Invitae), Labcorp); PubMed 11938448 (cited by Labcorp Genetics (formerly Invitae), Labcorp); PubMed 29446198 (cited by Labcorp Genetics (formerly Invitae), Labcorp); PubMed 32398771 (cited by Labcorp Genetics (formerly Invitae), Labcorp).

NM_000059.4(BRCA2):c.9572G>A (p.Trp3191Ter)

Gene: BRCA2 (BRCA2 DNA repair associated; plus strand). Cytogenetic location: 13q13.1.
Variant type: single nucleotide variant.
Coding change: c.9572G>A on transcript NM_000059.4 (MANE Select); coding-DNA position 9572, G replaced by A.
Protein change: p.Trp3191Ter; replaces tryptophan 3191 with a stop codon.
Molecular consequence: nonsense.
Genome position (GRCh38, 1-based): chr13:32,396,968, G>A. VCF-style: chr13-32396968-G-A. GRCh37 (hg19) VCF-style: chr13-32971105-G-A.
Other names: 9800G>A; short protein forms W3191*.
Identifiers: ClinVar variation 52871 (VCV000052871.9), dbSNP rs397508063, ClinGen allele CA026216.